The following is an entry in ClinVar:

ClinVar aggregate classification (germline): Likely benign (1 of 4 stars; one submission).

Conditions:
NCOA1-related disorder. Also called: NCOA1-related condition.

gnomAD v4.1: 18 of 1,614,164 alleles (0.0011%); highest among the groups gnomAD compares: African/African-American, 0.011%; no homozygotes.

Submission:

PreventionGenetics, part of Exact Sciences
Classification: Likely benign for NCOA1-related condition. Last evaluated: 2025-04-02. Review status: criteria provided, single submitter. Criteria: ACMG Guidelines, 2015. Collection method: clinical testing. Allele origin: germline.
Comment: This variant is classified as likely benign based on ACMG/AMP sequence variant interpretation guidelines (Richards et al. 2015 PMID: 25741868, with internal and published modifications).

NM_003743.5(NCOA1):c.1521C>G (p.Ser507=)

Gene: NCOA1 (nuclear receptor coactivator 1; plus strand). Cytogenetic location: 2p23.3.
Variant type: single nucleotide variant.
Coding change: c.1521C>G on transcript NM_003743.5 (MANE Select); coding-DNA position 1521, C replaced by G.
Protein change: p.Ser507=; no amino-acid change (serine 507 retained).
Molecular consequence: synonymous variant.
Genome position (GRCh38, 1-based): chr2:24,706,991, C>G. VCF-style: chr2-24706991-C-G. GRCh37 (hg19) VCF-style: chr2-24929860-C-G.
Other names: c.1521C>G, p.Ser507= (NM_001362950.1, NM_001362952.1, NM_001362954.1 and 3 more transcripts).
Identifiers: ClinVar variation 4992634 (VCV004992634.1).